The following is an entry in ClinVar:

ClinVar aggregate classification (germline): Uncertain significance. Review status: criteria provided, multiple submitters, no conflicts (2 of 4 stars). 2 submissions from 2 submitters: Uncertain significance (2). Last evaluated 2024-07-14.

Conditions:
Inborn genetic diseases. Identifiers: MedGen C0950123, MeSH D030342.
Vici syndrome (VICIS). Identifiers: Orphanet 1493, MedGen C1855772, MONDO:0009452, OMIM 242840.

Allele frequency attached by ClinVar (database versions not stated): gnomAD exomes 0.00002 and 0.00003; ExAC 0.00004; gnomAD 0.00004 and 0.00005; TOPMed 0.00009; 1000 Genomes Project 30x 0.00016; 1000 Genomes Project 0.00020.
gnomAD v4.1: 38 of 1,614,214 alleles (0.0024%); highest among the groups gnomAD compares: Admixed American, 0.01%; no homozygotes.

Submissions (2):

Ambry Genetics
Classification: Uncertain significance for Inborn genetic diseases. Last evaluated: 2024-07-14. Review status: criteria provided, single submitter. Criteria: Ambry Variant Classification Scheme 2023. Collection method: clinical testing. Allele origin: germline.

Labcorp Genetics (formerly Invitae), Labcorp
Classification: Uncertain significance for Vici syndrome. Last evaluated: 2022-07-21. Review status: criteria provided, single submitter. Criteria: Invitae Variant Classification Sherloc (09022015). Collection method: clinical testing. Allele origin: germline.
Comment: This sequence change replaces arginine, which is basic and polar, with tryptophan, which is neutral and slightly polar, at codon 2293 of the EPG5 protein (p.Arg2293Trp). This variant is present in population databases (rs180886291, gnomAD 0.01%). This variant has not been reported in the literature in individuals affected with EPG5-related conditions. ClinVar contains an entry for this variant (Variation ID: 1353597). Algorithms developed to predict the effect of missense changes on protein structure and function are either unavailable or do not agree on the potential impact of this missense change (SIFT: "Deleterious"; PolyPhen-2: "Probably Damaging"; Align-GVGD: "Class C0"). In summary, the available evidence is currently insufficient to determine the role of this variant in disease. Therefore, it has been classified as a Variant of Uncertain Significance.

NM_020964.3(EPG5):c.6877C>T (p.Arg2293Trp)

Gene: EPG5 (ectopic P-granules 5 autophagy tethering factor; minus strand). Cytogenetic location: 18q12.3.
Variant type: single nucleotide variant.
Coding change: c.6877C>T on transcript NM_020964.3 (MANE Select); coding-DNA position 6877, C replaced by T.
Protein change: p.Arg2293Trp; replaces arginine 2293 with tryptophan.
Molecular consequence: missense variant.
Genome position (GRCh38, 1-based): chr18:45,860,236, G>A on the plus strand (C>T on the coding strand, the complement: EPG5 is on the minus strand). VCF-style: chr18-45860236-G-A. GRCh37 (hg19) VCF-style: chr18-43440201-G-A.
Other names: c.6877C>T (NM_020964.2); short protein forms R2293W.
Identifiers: ClinVar variation 1353597 (VCV001353597.5), dbSNP rs180886291, ClinGen allele CA8948124.
Genomic context (GRCh38, chr18:45,860,236, plus strand): 5'-AGGCTGCTGTTAAAAGGGGCAGCACCACCAGCCCATGCATTTTTTGGCCAATCCAGGTCC[G>A]GATACTGCCCCGAAGGAACTCTGCTGTTGGAATAGTCGCGTTGTTCATCATCATCAGGAC-3'
Protein context (NP_066015.2, residues 2283-2303): PTAEFLRGSI[Arg2293Trp]TWIGQKMHGL